The following is an entry in ClinVar:

ClinVar aggregate classification (germline): Uncertain significance (1 of 4 stars; one submission).

Conditions:
Asphyxiating thoracic dystrophy 1 (SRTD1). Also called: SHORT-RIB THORACIC DYSPLASIA 1 WITH OR WITHOUT POLYDACTYLY. Identifiers: Orphanet 474, MedGen C4551856, MONDO:0008831, OMIM 208500.
Jeune thoracic dystrophy. Also called: Jeune syndrome; Infantile thoracic dystrophy; Thoracic pelvic phalangeal dystrophy; Jeune's syndrome; Chondroectodermal dysplasia-like syndrome; Short-rib thoracic dysplasia. Identifiers: Orphanet 474, MedGen C0265275, MONDO:0018770.

Allele frequency attached by ClinVar (database versions not stated): gnomAD exomes below 0.00001; TOPMed below 0.00001; gnomAD 0.00001; ExAC 0.00002.
gnomAD v4.1: 5 of 1,598,692 alleles (0.00031%); highest among the groups gnomAD compares: Middle Eastern, 0.017%; no homozygotes.

Submission:

Labcorp Genetics (formerly Invitae), Labcorp
Classification: Uncertain significance for Jeune thoracic dystrophy. Last evaluated: 2021-08-31. Review status: criteria provided, single submitter. Criteria: Invitae Variant Classification Sherloc (09022015). Collection method: clinical testing. Allele origin: germline.
Comment: This sequence change replaces leucine with isoleucine at codon 156 of the DYNC2H1 protein (p.Leu156Ile). The leucine residue is moderately conserved and there is a small physicochemical difference between leucine and isoleucine. This variant is present in population databases (rs765931519, ExAC 0.003%). This variant has not been reported in the literature in individuals affected with DYNC2H1-related conditions. Algorithms developed to predict the effect of missense changes on protein structure and function (SIFT, PolyPhen-2, Align-GVGD) all suggest that this variant is likely to be tolerated. In summary, the available evidence is currently insufficient to determine the role of this variant in disease. Therefore, it has been classified as a Variant of Uncertain Significance.

NM_001377.3(DYNC2H1):c.466T>A (p.Leu156Ile)

Gene: DYNC2H1 (dynein cytoplasmic 2 heavy chain 1; plus strand). Cytogenetic location: 11q22.3.
Variant type: single nucleotide variant.
Coding change: c.466T>A on transcript NM_001377.3 (MANE Select); coding-DNA position 466, T replaced by A.
Protein change: p.Leu156Ile; replaces leucine 156 with isoleucine.
Molecular consequence: missense variant.
Genome position (GRCh38, 1-based): chr11:103,114,202, T>A. VCF-style: chr11-103114202-T-A. GRCh37 (hg19) VCF-style: chr11-102984931-T-A.
Other names: c.466T>A, p.Leu156Ile (NM_001080463.2); short protein forms L156I.
Identifiers: ClinVar variation 459279 (VCV000459279.7), dbSNP rs765931519, ClinGen allele CA6252493.